The following is an entry in ClinVar:

ClinVar aggregate classification (germline): Uncertain significance (1 of 4 stars; one submission).

Conditions:
Autosomal recessive limb-girdle muscular dystrophy type 2D (LGMDR3). Also called: MUSCULAR DYSTROPHY, LIMB-GIRDLE, AUTOSOMAL RECESSIVE 3; DUCHENNE-LIKE AUTOSOMAL RECESSIVE MUSCULAR DYSTROPHY, TYPE 2; ADHALINOPATHY, PRIMARY. Identifiers: Orphanet 62, MedGen C2936332, MONDO:0011968, OMIM 608099. Disease mechanism: Affects gamma-sarcoglycan and also disrupts the integrity of the entire sarcoglycan complex..

Allele frequency attached by ClinVar (database versions not stated): gnomAD exomes 0.00001.
gnomAD v4.1: 3 of 1,560,730 alleles (0.00019%); highest among the groups gnomAD compares: Admixed American, 0.0057%; no homozygotes.

Submission:

Labcorp Genetics (formerly Invitae), Labcorp
Classification: Uncertain significance for Autosomal recessive limb-girdle muscular dystrophy type 2D. Last evaluated: 2022-08-04. Review status: criteria provided, single submitter. Criteria: Invitae Variant Classification Sherloc (09022015). Collection method: clinical testing. Allele origin: germline.
Comment: This sequence change replaces threonine, which is neutral and polar, with isoleucine, which is neutral and non-polar, at codon 326 of the SGCA protein (p.Thr326Ile). This variant is present in population databases (no rsID available, gnomAD 0.004%). This variant has not been reported in the literature in individuals affected with SGCA-related conditions. Advanced modeling of protein sequence and biophysical properties (such as structural, functional, and spatial information, amino acid conservation, physicochemical variation, residue mobility, and thermodynamic stability) performed at Invitae indicates that this missense variant is expected to disrupt SGCA protein function. In summary, the available evidence is currently insufficient to determine the role of this variant in disease. Therefore, it has been classified as a Variant of Uncertain Significance.

NM_000023.4(SGCA):c.977C>T (p.Thr326Ile)

Gene: SGCA (sarcoglycan alpha; plus strand). Cytogenetic location: 17q21.33.
Variant type: single nucleotide variant.
Coding change: c.977C>T on transcript NM_000023.4 (MANE Select); coding-DNA position 977, C replaced by T.
Protein change: p.Thr326Ile; replaces threonine 326 with isoleucine.
Molecular consequence: missense variant. On other transcripts: non-coding transcript variant (1).
Genome position (GRCh38, 1-based): chr17:50,170,660, C>T. VCF-style: chr17-50170660-C-T. GRCh37 (hg19) VCF-style: chr17-48248021-C-T.
Other names: c.605C>T, p.Thr202Ile (NM_001135697.3); short protein forms T326I, T202I.
Identifiers: ClinVar variation 1974538 (VCV001974538.5), dbSNP rs1266256349, ClinGen allele CA400182374.